The following is an entry in ClinVar:

ClinVar aggregate classification (germline): Uncertain significance. Review status: criteria provided, multiple submitters, no conflicts (2 of 4 stars). 2 submissions from 2 submitters: Uncertain significance (2). Last evaluated 2025-04-07.

Conditions:
Inborn genetic diseases. Identifiers: MedGen C0950123, MeSH D030342.
Bethlem myopathy 1A. Also called: Bethlem Muscular Dystrophy; MYOPATHY, BENIGN CONGENITAL, WITH CONTRACTURES; Bethlem myopathy 1. Identifiers: Orphanet 610, MedGen CN029274, MONDO:0024530, OMIM 158810.

gnomAD v4.1: 1 of 1,613,536 alleles (0.000062%); highest among the groups gnomAD compares: Non-Finnish European, 0.000085%; no homozygotes.

Submissions (2):

Labcorp Genetics (formerly Invitae), Labcorp
Classification: Uncertain significance for Bethlem myopathy 1A. Last evaluated: 2025-04-07. Review status: criteria provided, single submitter. Criteria: Invitae Variant Classification Sherloc (09022015). Collection method: clinical testing. Allele origin: germline.
Comment: This sequence change replaces proline, which is neutral and non-polar, with threonine, which is neutral and polar, at codon 402 of the COL6A1 protein (p.Pro402Thr). This variant is not present in population databases (gnomAD no frequency). This variant has not been reported in the literature in individuals affected with COL6A1-related conditions. ClinVar contains an entry for this variant (Variation ID: 1057258). Invitae Evidence Modeling of protein sequence and biophysical properties (such as structural, functional, and spatial information, amino acid conservation, physicochemical variation, residue mobility, and thermodynamic stability) has been performed for this missense variant. However, the output from this modeling did not meet the statistical confidence thresholds required to predict the impact of this variant on COL6A1 protein function. In summary, the available evidence is currently insufficient to determine the role of this variant in disease. Therefore, it has been classified as a Variant of Uncertain Significance.

Ambry Genetics
Classification: Uncertain significance for Inborn genetic diseases. Last evaluated: 2025-03-15. Review status: criteria provided, single submitter. Criteria: Ambry Variant Classification Scheme 2023. Collection method: clinical testing. Allele origin: germline.

NM_001848.3(COL6A1):c.1204C>A (p.Pro402Thr)

Gene: COL6A1 (collagen type VI alpha 1 chain; plus strand). Cytogenetic location: 21q22.3.
Variant type: single nucleotide variant.
Coding change: c.1204C>A on transcript NM_001848.3 (MANE Select); coding-DNA position 1204, C replaced by A.
Protein change: p.Pro402Thr; replaces proline 402 with threonine.
Molecular consequence: missense variant.
Genome position (GRCh38, 1-based): chr21:45,992,185, C>A. VCF-style: chr21-45992185-C-A. GRCh37 (hg19) VCF-style: chr21-47412099-C-A.
Other names: c.1204C>A (NM_001848.2); short protein forms P402T.
Identifiers: ClinVar variation 1057258 (VCV001057258.10), dbSNP rs983326119, ClinGen allele CA321966618.
Genomic context (GRCh38, chr21:45,992,185, plus strand): 5'-AAGGAGATGGAGCGACCATTCAACCCTTGTTCCCCACAGGGCCAGCCGGGAGAGCCTGGG[C>A]CCCCCGGAGAGAAAGGAGAGGCGGGCGACGAGGTGAGTGAGGGCTCCTGACACCTTCCTG-3'
Protein context (NP_001839.2, residues 392-412): GDEGQPGEPG[Pro402Thr]PGEKGEAGDE